The following is an entry in ClinVar:

NM_000038.6(APC):c.1743+9G>T

Gene: APC (APC regulator of Wnt signaling pathway; plus strand). Cytogenetic location: 5q22.2.
Variant type: single nucleotide variant.
Coding change: c.1743+9G>T on transcript NM_000038.6 (MANE Select); 9 bases into the intron after coding-DNA position 1743, G replaced by T.
Molecular consequence: intron variant.
Genome position (GRCh38, 1-based): chr5:112,828,981, G>T. VCF-style: chr5-112828981-G-T. GRCh37 (hg19) VCF-style: chr5-112164678-G-T.
Other names: c.894+9G>T (NM_001407470.1, NM_001354906.2); c.591+9G>T (NM_001407472.1, NM_001407471.1); c.1797+9G>T (NM_001407447.1, NM_001407448.1, NM_001407449.1 and 1 more transcripts); c.1743+9G>T (NM_001354895.2, NM_001407450.1, NM_001127510.3); c.1494+9G>T (NM_001407456.1, NM_001407457.1, NM_001407455.1 and 1 more transcripts); c.1440+9G>T (NM_001407460.1, NM_001407458.1, NM_001407459.1 and 1 more transcripts); c.1713+9G>T (NM_001407452.1); c.1356+9G>T (NM_001407469.1, NM_001407467.1); and 11 more.
Identifiers: ClinVar variation 3148821 (VCV003148821.1), dbSNP rs2149818694, ClinGen allele CA2825001355.
Genomic context (GRCh38, chr5:112,828,981, plus strand): 5'-AGAAGTTGGAAGTGTGAAAGCATTGATGGAATGTGCTTTAGAAGTTAAAAAGGTACCTTT[G>T]AAAACATTTAGTACTATAATATGAATTTCATGTTTGGCTTTTTTTTGCTGCCTTCTTTTA-3'

ClinVar aggregate classification (germline): Likely benign (1 of 4 stars; one submission).

Conditions:
Familial adenomatous polyposis 1 (FAP1). Also called: POLYPOSIS, ADENOMATOUS INTESTINAL; FAMILIAL ADENOMATOUS POLYPOSIS 1, ATTENUATED. Identifiers: MedGen C2713442, MONDO:0021056, OMIM 175100. Disease mechanism: loss of function.

Submission:

Myriad Genetics, Inc.
Classification: Likely benign for Familial adenomatous polyposis 1. Last evaluated: 2024-03-06. Review status: criteria provided, single submitter. Criteria: Myriad Autosomal Dominant, Autosomal Recessive and X-Linked Classification Criteria (2023). Collection method: clinical testing. Allele origin: unknown.
Comment: This variant is considered likely benign. This variant is intronic and is not expected to impact mRNA splicing.